The following is an entry in ClinVar:

NM_004260.4(RECQL4):c.3562C>G (p.Leu1188Val)

Gene: RECQL4 (RecQ like helicase 4; minus strand). Cytogenetic location: 8q24.3.
Variant type: single nucleotide variant.
Coding change: c.3562C>G on transcript NM_004260.4 (MANE Select); coding-DNA position 3562, C replaced by G.
Protein change: p.Leu1188Val; replaces leucine 1188 with valine.
Molecular consequence: missense variant.
Genome position (GRCh38, 1-based): chr8:144,511,496, G>C on the plus strand (C>G on the coding strand, the complement: RECQL4 is on the minus strand). VCF-style: chr8-144511496-G-C. GRCh37 (hg19) VCF-style: chr8-145736879-G-C.
Other names: c.3268C>G, p.Leu1090Val (NM_001413017.1); c.3364C>G, p.Leu1122Val (NM_001413018.1); c.3637C>G, p.Leu1213Val (NM_001413019.1); c.3466C>G, p.Leu1156Val (NM_001413020.1); c.2491C>G, p.Leu831Val (NM_001413021.1, NM_001413022.1, NM_001413024.1 and 4 more transcripts); c.2566C>G, p.Leu856Val (NM_001413023.1); c.3433C>G, p.Leu1145Val (NM_001413025.1); c.2425C>G, p.Leu809Val (NM_001413027.1, NM_001413030.1, NM_001413032.1); and 9 more; short protein forms L1071V, L1145V, L1156V, L1188V, L1178V, L1213V, L787V, L809V.
Identifiers: ClinVar variation 2085435 (VCV002085435.4), dbSNP rs780285435, ClinGen allele CA4947647.

ClinVar aggregate classification (germline): Uncertain significance (1 of 4 stars; one submission).

Conditions:
Baller-Gerold syndrome (BGS). Also called: CRANIOSYNOSTOSIS WITH RADIAL DEFECTS. Identifiers: Orphanet 1225, MedGen C0265308, MONDO:0009039, OMIM 218600.

Submission:

Labcorp Genetics (formerly Invitae), Labcorp
Classification: Uncertain significance for Baller-Gerold syndrome. Last evaluated: 2022-07-29. Review status: criteria provided, single submitter. Criteria: Invitae Variant Classification Sherloc (09022015). Collection method: clinical testing. Allele origin: germline.
Comment: Experimental studies and prediction algorithms are not available or were not evaluated, and the functional significance of this variant is currently unknown. In summary, the available evidence is currently insufficient to determine the role of this variant in disease. Therefore, it has been classified as a Variant of Uncertain Significance. This variant has not been reported in the literature in individuals affected with RECQL4-related conditions. This variant is present in population databases (rs780285435, gnomAD 0.002%). This sequence change replaces leucine, which is neutral and non-polar, with valine, which is neutral and non-polar, at codon 1188 of the RECQL4 protein (p.Leu1188Val).